The following is an entry in ClinVar:

NM_001083962.2(TCF4):c.1802G>T (p.Ser601Ile)

Gene: TCF4 (transcription factor 4; minus strand). Cytogenetic location: 18q21.2.
Variant type: single nucleotide variant.
Coding change: c.1802G>T on transcript NM_001083962.2 (MANE Select); coding-DNA position 1802, G replaced by T.
Protein change: p.Ser601Ile; replaces serine 601 with isoleucine.
Molecular consequence: missense variant.
Genome position (GRCh38, 1-based): chr18:55,228,924, C>A on the plus strand (G>T on the coding strand, the complement: TCF4 is on the minus strand). VCF-style: chr18-55228924-C-A. GRCh37 (hg19) VCF-style: chr18-52896155-C-A.
Other names: c.2108G>T, p.Ser703Ile (NM_001243226.3); c.1730G>T, p.Ser577Ile (NM_001243227.2, NM_001348217.1, NM_001348218.2 and 1 more transcripts); c.1820G>T, p.Ser607Ile (NM_001243228.2); c.1781G>T, p.Ser594Ile (NM_001243230.2); c.1664G>T, p.Ser555Ile (NM_001243231.2); c.1589G>T, p.Ser530Ile (NM_001243232.1); c.1400G>T, p.Ser467Ile (NM_001243233.2, NM_001348212.2); c.1322G>T, p.Ser441Ile (NM_001243234.2, NM_001348216.2); and 14 more; short protein forms S436I, S441I, S572I, S573I, S578I, S597I, S703I, S385I.
Identifiers: ClinVar variation 2085606 (VCV002085606.4), dbSNP rs2047098443, ClinGen allele CA402528648.
Genomic context (GRCh38, chr18:55,228,924, plus strand): 5'-AGACTGAGGATGACGGCCACCGCCTGGTGGAGGATCAGGAGCTTGGTCTGGGGCTTGTCA[C>A]TCTTGAGGTGGAGCTGCACCATGCGGCCGAGCTCTTTGAAAGCCTCGTTGATGTCACGGA-3'
Protein context (NP_001077431.1, residues 591-611): LGRMVQLHLK[Ser601Ile]DKPQTKLLIL

ClinVar aggregate classification (germline): Uncertain significance (1 of 4 stars; one submission).

Conditions:
Pitt-Hopkins syndrome (PTHS). Also called: ENCEPHALOPATHY, SEVERE EPILEPTIC, WITH AUTONOMIC DYSFUNCTION; MENTAL RETARDATION, SYNDROMAL, WITH INTERMITTENT HYPERVENTILATION. Identifiers: Orphanet 2896, MedGen C1970431, MONDO:0012589, OMIM 610954.

Allele frequency attached by ClinVar (database versions not stated): TOPMed below 0.00001.

Submission:

Labcorp Genetics (formerly Invitae), Labcorp
Classification: Uncertain significance for Pitt-Hopkins syndrome. Last evaluated: 2022-01-16. Review status: criteria provided, single submitter. Criteria: Invitae Variant Classification Sherloc (09022015). Collection method: clinical testing. Allele origin: germline.
Comment: In summary, the available evidence is currently insufficient to determine the role of this variant in disease. Therefore, it has been classified as a Variant of Uncertain Significance. Algorithms developed to predict the effect of missense changes on protein structure and function are either unavailable or do not agree on the potential impact of this missense change (SIFT: "Deleterious"; PolyPhen-2: "Probably Damaging"; Align-GVGD: "Class C0"). This variant has not been reported in the literature in individuals affected with TCF4-related conditions. This variant is not present in population databases (gnomAD no frequency). This sequence change replaces serine, which is neutral and polar, with isoleucine, which is neutral and non-polar, at codon 601 of the TCF4 protein (p.Ser601Ile).